The following is an entry in ClinVar:

ClinVar aggregate classification (germline): Pathogenic (1 of 4 stars; one submission).

Conditions:
Primary hyperoxaluria, type I (HP1). Also called: OXALOSIS I; Primary hyperoxaluria type 1; GLYCOLIC ACIDURIA; HEPATIC AGT DEFICIENCY. Identifiers: Orphanet 416, Orphanet 93598, MedGen C0268164, MONDO:0009823, OMIM 259900. Disease mechanism: loss of function.

Submission:

Thalassemia Center, San Luigi University Hospital
Classification: Pathogenic for Primary hyperoxaluria, type I. Last evaluated: 2023-10-27. Review status: criteria provided, single submitter. Criteria: ACMG Guidelines, 2015. Collection method: clinical testing. Allele origin: germline. Affected: yes.
Comment: ACMG:PS1 PM2 PM3 PM5 PP3 PP4

NM_000030.3(AGXT):c.731T>A (p.Ile244Asn)

Gene: AGXT (alanine--glyoxylate aminotransferase; plus strand). Cytogenetic location: 2q37.3.
Variant type: single nucleotide variant.
Coding change: c.731T>A on transcript NM_000030.3 (MANE Select); coding-DNA position 731, T replaced by A.
Protein change: p.Ile244Asn; replaces isoleucine 244 with asparagine.
Molecular consequence: missense variant.
Genome position (GRCh38, 1-based): chr2:240,875,159, T>A. VCF-style: chr2-240875159-T-A. GRCh37 (hg19) VCF-style: chr2-241814576-T-A.
Other names: short protein forms I244N.
Identifiers: ClinVar variation 2671858 (VCV002671858.1), dbSNP rs121908525, ClinGen allele CA351318146.